The following is an entry in ClinVar:

NM_001291088.2(WDR87):c.1680_1685delinsTGCTGTCTGATACTCTTGCCCAAGCTG (p.Thr561_His562delinsAlaValTer)

Gene: WDR87 (WD repeat domain 87; minus strand). Cytogenetic location: 19q13.13.
Variant type: Indel.
Coding change: c.1680_1685delinsTGCTGTCTGATACTCTTGCCCAAGCTG on transcript NM_001291088.2 (MANE Select); coding-DNA positions 1680 to 1685, AACACA replaced by TGCTGTCTGATACTCTTGCCCAAGCTG.
Protein change: p.Thr561_His562delinsAlaValTer.
Molecular consequence: nonsense.
Genome position (GRCh38, 1-based): chr19:37,894,018-37,894,023, TGTGTT replaced by CAGCTTGGGCAAGAGTATCAGACAGCA on the plus strand (AACACA replaced by TGCTGTCTGATACTCTTGCCCAAGCTG on the coding strand, the reverse complement: WDR87 is on the minus strand). GRCh37 (hg19): chr19:38,384,658-38,384,663.
Other names: c.1563_1568delinsTGCTGTCTGATACTCTTGCCCAAGCTG, p.Thr522_His523delinsAlaValTer (NM_031951.5).
Identifiers: ClinVar variation 2089908 (VCV002089908.4), dbSNP rs2513355070, ClinGen allele CA2580096911.

ClinVar aggregate classification (germline): Uncertain significance (1 of 4 stars; one submission).

Submission:

Labcorp Genetics (formerly Invitae), Labcorp
Classification: Uncertain significance. Last evaluated: 2025-08-18. Review status: criteria provided, single submitter. Criteria: Invitae Variant Classification Sherloc (09022015). Collection method: clinical testing. Allele origin: germline.
Comment: This sequence change creates a premature translational stop signal (p.Thr522_Leu524delinsAlaVal*) in the WDR87 gene. It is expected to result in an absent or disrupted protein product. However, the current clinical and genetic evidence is not sufficient to establish whether loss-of-function variants in WDR87 cause disease. Information on the frequency of this variant in the gnomAD database is not available, as this variant may be reported differently in the database. This variant has not been reported in the literature in individuals affected with WDR87-related conditions. In summary, the available evidence is currently insufficient to determine the role of this variant in disease. Therefore, it has been classified as a Variant of Uncertain Significance.